The following is an entry in ClinVar:

ClinVar aggregate classification (germline): Benign. Review status: criteria provided, multiple submitters, no conflicts (2 of 4 stars). 2 submissions from 2 submitters: Benign (2). Last evaluated 2018-01-13.

Conditions:
Pyridoxal phosphate-responsive seizures (PNPOD). Also called: Pyridoxal 5'-Phosphate (PLP)-Dependent Epilepsy; EPILEPTIC ENCEPHALOPATHY, NEONATAL, PNPO-RELATED; Pyridoxamine 5-Prime-Phosphate Oxidase Deficiency; Pyridoxine-5'-phosphate oxidase deficiency; SEIZURES, PYRIDOXINE-RESISTANT, PLP-SENSITIVE. Identifiers: Orphanet 79096, MedGen C1864723, MONDO:0012407, OMIM 610090. Disease mechanism: loss of function.

Allele frequency attached by ClinVar (database versions not stated): 1000 Genomes Project 0.26977; 1000 Genomes Project 30x 0.26983; gnomAD 0.27084 and 0.27516; TOPMed 0.28191.

Submissions (2):

Illumina Laboratory Services, Illumina
Classification: Benign for Pyridoxal phosphate-responsive seizures. Last evaluated: 2018-01-13. Review status: criteria provided, single submitter. Criteria: ICSL Variant Classification Criteria 13 December 2019. Collection method: clinical testing. Allele origin: germline.
Comment: This variant was observed in the ICSL laboratory as part of a predisposition screen in an ostensibly healthy population. It had not been previously curated by ICSL or reported in the Human Gene Mutation Database (HGMD: prior to June 1st, 2018), and was therefore a candidate for classification through an automated scoring system. Utilizing variant allele frequency, disease prevalence and penetrance estimates, and inheritance mode, an automated score was calculated to assess if this variant is too frequent to cause the disease. Based on the score and internal cut-off values, a variant classified as benign is not then subjected to further curation. The score for this variant resulted in a classification of benign for this disease.

Breakthrough Genomics
Classification: Benign. Review status: criteria provided, single submitter. Criteria: ACMG Guidelines, 2015. Collection method: not provided. Allele origin: germline. Inheritance: Autosomal recessive inheritance. Affected: yes.

NM_018129.4(PNPO):c.*825C>A

Gene: PNPO (pyridoxamine 5'-phosphate oxidase; plus strand). Cytogenetic location: 17q21.32.
Variant type: single nucleotide variant.
Coding change: c.*825C>A on transcript NM_018129.4 (MANE Select); 825 bases downstream of the stop codon, C replaced by A.
Molecular consequence: 3 prime UTR variant.
Genome position (GRCh38, 1-based): chr17:47,947,607, C>A. VCF-style: chr17-47947607-C-A. GRCh37 (hg19) VCF-style: chr17-46024973-C-A.
Identifiers: ClinVar variation 323925 (VCV000323925.6), dbSNP rs2325749, ClinGen allele CA10646058.